The following is an entry in ClinVar:

ClinVar aggregate classification (germline): Benign/Likely benign. Review status: criteria provided, multiple submitters, no conflicts (2 of 4 stars). 6 submissions from 6 submitters: Benign (2); Likely benign (4). Last evaluated 2026-01-18.

Conditions:
Bethlem myopathy 1A. Also called: MYOPATHY, BENIGN CONGENITAL, WITH CONTRACTURES; Bethlem myopathy 1; Bethlem Muscular Dystrophy. Identifiers: Orphanet 610, MedGen CN029274, MONDO:0024530, OMIM 158810.
Collagen 6-related myopathy. Identifiers: MedGen CN117976, MONDO:0100225.

Allele frequency attached by ClinVar (database versions not stated): ESP Exome Variant Server 0.00023; gnomAD exomes 0.00023 and 0.00049; TOPMed 0.00029; gnomAD 0.00030 and 0.00031; ExAC 0.00041.
gnomAD v4.1: 418 of 1,607,502 alleles (0.026%); highest among the groups gnomAD compares: Non-Finnish European, 0.009%; 3 homozygotes.

Submissions (6):

Labcorp Genetics (formerly Invitae), Labcorp
Classification: Likely benign for Bethlem myopathy 1A. Last evaluated: 2026-01-18. Review status: criteria provided, single submitter. Criteria: Invitae Variant Classification Sherloc (09022015). Collection method: clinical testing. Allele origin: germline.

Blueprint Genetics
Classification: Likely benign. Last evaluated: 2024-09-10. Review status: criteria provided, single submitter. Criteria: ACMG Guidelines, 2015. Collection method: clinical testing. Allele origin: germline.

GeneDx
Classification: Likely benign. Last evaluated: 2020-11-24. Review status: criteria provided, single submitter. Criteria: GeneDx Variant Classification Process June 2021. Collection method: clinical testing. Allele origin: germline. Affected: yes.

Illumina Laboratory Services, Illumina
Classification: Benign for Collagen VI-related myopathy. Last evaluated: 2018-01-13. Review status: criteria provided, single submitter. Criteria: ICSL Variant Classification Criteria 13 December 2019. Collection method: clinical testing. Allele origin: germline.
Comment: This variant was observed in the ICSL laboratory as part of a predisposition screen in an ostensibly healthy population. It had not been previously curated by ICSL or reported in the Human Gene Mutation Database (HGMD: prior to June 1st, 2018), and was therefore a candidate for classification through an automated scoring system. Utilizing variant allele frequency, disease prevalence and penetrance estimates, and inheritance mode, an automated score was calculated to assess if this variant is too frequent to cause the disease. Based on the score and internal cut-off values, a variant classified as benign is not then subjected to further curation. The score for this variant resulted in a classification of benign for this disease.

Eurofins Ntd Llc (ga)
Classification: Benign. Last evaluated: 2016-12-08. Review status: criteria provided, single submitter. Criteria: EGL Classification Definitions 2015. Collection method: clinical testing. Allele origin: germline. Observed: 3 variant alleles, 3 heterozygotes.

PreventionGenetics, part of Exact Sciences
Classification: Likely benign. Review status: criteria provided, single submitter. Criteria: ACMG Guidelines, 2015. Collection method: clinical testing. Allele origin: germline.

NM_001849.4(COL6A2):c.528G>A (p.Gln176=)

Gene: COL6A2 (collagen type VI alpha 2 chain; plus strand). Cytogenetic location: 21q22.3.
Variant type: single nucleotide variant.
Coding change: c.528G>A on transcript NM_001849.4 (MANE Select); coding-DNA position 528, G replaced by A.
Protein change: p.Gln176=; no amino-acid change (glutamine 176 retained).
Molecular consequence: synonymous variant.
Genome position (GRCh38, 1-based): chr21:46,112,391, G>A. VCF-style: chr21-46112391-G-A. GRCh37 (hg19) VCF-style: chr21-47532305-G-A.
Other names: c.528G>A, p.Gln176= (NM_058174.3, NM_058175.3).
Identifiers: ClinVar variation 258333 (VCV000258333.26), dbSNP rs377585812, ClinGen allele CA10071320.